The following is an entry in ClinVar:

ClinVar aggregate classification (germline): Uncertain significance. Review status: criteria provided, multiple submitters, no conflicts (2 of 4 stars). 4 submissions from 4 submitters: Uncertain significance (4). Last evaluated 2025-08-04.

Conditions:
Cataract 41 (CTRCT41). Also called: CATARACT 41, CONGENITAL NUCLEAR TYPE. Identifiers: Orphanet 91492, Orphanet 98991, Orphanet 98992, Orphanet 98995, MedGen C3805412, MONDO:0007287, OMIM 116400.
Wolfram syndrome 1 (WFS1). Identifiers: Orphanet 3463, MedGen C4551693, MONDO:0009101, OMIM 222300.
Autosomal dominant nonsyndromic hearing loss 6 (LFSNHL). Also called: DEAFNESS, AUTOSOMAL DOMINANT 6; DEAFNESS, AUTOSOMAL DOMINANT 14; DEAFNESS, AUTOSOMAL DOMINANT 38; Autosomal dominant nonsyndromic deafness 6. Identifiers: Orphanet 90635, MedGen C1833021, MONDO:0010963, OMIM 600965.
Wolfram-like syndrome. Also called: HEARING LOSS, PROGRESSIVE, WITH OPTIC ATROPHY AND/OR IMPAIRED GLUCOSE REGULATION. Identifiers: Orphanet 411590, MedGen C3280358, MONDO:0013673, OMIM 614296.
Type 2 diabetes mellitus. Also called: Type II diabetes mellitus. Identifiers: MedGen C0011860, MeSH D003924, MONDO:0005148, OMIM 125853, HP:0005978.
Inborn genetic diseases. Identifiers: MedGen C0950123, MeSH D030342.

Allele frequency attached by ClinVar (database versions not stated): ExAC 0.00002; gnomAD exomes 0.00002 and 0.00005; TOPMed 0.00009; 1000 Genomes Project 30x 0.00016; 1000 Genomes Project 0.00020.
gnomAD v4.1: 46 of 1,611,204 alleles (0.0029%); highest among the groups gnomAD compares: Admixed American, 0.048%; no homozygotes.

Submissions (4):

Labcorp Genetics (formerly Invitae), Labcorp
Classification: Uncertain significance. Last evaluated: 2025-08-04. Review status: criteria provided, single submitter. Criteria: Invitae Variant Classification Sherloc (09022015). Collection method: clinical testing. Allele origin: germline.
Comment: This sequence change replaces valine, which is neutral and non-polar, with methionine, which is neutral and non-polar, at codon 491 of the WFS1 protein (p.Val491Met). This variant is present in population databases (rs143597170, gnomAD 0.03%). This variant has not been reported in the literature in individuals affected with WFS1-related conditions. ClinVar contains an entry for this variant (Variation ID: 1402442). Invitae Evidence Modeling of protein sequence and biophysical properties (such as structural, functional, and spatial information, amino acid conservation, physicochemical variation, residue mobility, and thermodynamic stability) indicates that this missense variant is not expected to disrupt WFS1 protein function with a negative predictive value of 95%. In summary, the available evidence is currently insufficient to determine the role of this variant in disease. Therefore, it has been classified as a Variant of Uncertain Significance.

Ambry Genetics
Classification: Uncertain significance for Inborn genetic diseases. Last evaluated: 2022-12-19. Review status: criteria provided, single submitter. Criteria: Ambry Variant Classification Scheme 2023. Collection method: clinical testing. Allele origin: germline.

GeneDx
Classification: Uncertain significance. Last evaluated: 2021-12-23. Review status: criteria provided, single submitter. Criteria: GeneDx Variant Classification Process June 2021. Collection method: clinical testing. Allele origin: germline. Affected: yes.
Comment: In silico analysis supports that this missense variant does not alter protein structure/function; Has not been previously published as pathogenic or benign to our knowledge

Fulgent Genetics
Classification: Uncertain significance for Cataract 41; Type 2 diabetes mellitus; Wolfram syndrome 1; Autosomal dominant nonsyndromic hearing loss 6; Wolfram-like syndrome. Last evaluated: 2021-11-09. Review status: criteria provided, single submitter. Criteria: ACMG Guidelines, 2015. Collection method: clinical testing. Allele origin: unknown.

NM_006005.3(WFS1):c.1471G>A (p.Val491Met)

Gene: WFS1 (wolframin ER transmembrane glycoprotein; plus strand). Cytogenetic location: 4p16.1.
Variant type: single nucleotide variant.
Coding change: c.1471G>A on transcript NM_006005.3 (MANE Select); coding-DNA position 1471, G replaced by A.
Protein change: p.Val491Met; replaces valine 491 with methionine.
Molecular consequence: missense variant.
Genome position (GRCh38, 1-based): chr4:6,301,266, G>A. VCF-style: chr4-6301266-G-A. GRCh37 (hg19) VCF-style: chr4-6302993-G-A.
Other names: c.1471G>A, p.Val491Met (NM_001145853.1); short protein forms V491M.
Identifiers: ClinVar variation 1402442 (VCV001402442.10), dbSNP rs143597170, ClinGen allele CA2839366.
Genomic context (GRCh38, chr4:6,301,266, plus strand): 5'-CTGCCCTCCATGCCCTTGAATTGGCCCTACCTGAAGGTCCTTGGCCAGACCTTCATCACC[G>A]TGCCTGTCGGCCACCTGGTCGTCCTCAACGTCAGCGTCCCGTGCCTGCTCTATGTCTACC-3'
Protein context (NP_005996.2, residues 481-501): LKVLGQTFIT[Val491Met]PVGHLVVLNV